The following is an entry in ClinVar:

ClinVar aggregate classification (germline): Uncertain significance. Review status: criteria provided, multiple submitters, no conflicts (2 of 4 stars). 2 submissions from 2 submitters: Uncertain significance (2). Last evaluated 2025-04-10.

Conditions:
SCAPER-related disorder. Also called: SCAPER-related condition.

gnomAD v4.1: 2 of 1,607,754 alleles (0.00012%); no homozygotes.

Submissions (2):

PreventionGenetics, part of Exact Sciences
Classification: Uncertain significance for SCAPER-related condition. Last evaluated: 2025-04-10. Review status: criteria provided, single submitter. Criteria: ACMG Guidelines, 2015. Collection method: clinical testing. Allele origin: germline.
Comment: The SCAPER c.3982A>C variant is predicted to result in the amino acid substitution p.Ile1328Leu. To our knowledge, this variant has not been reported in the literature. This variant is referred to as p.Ile1322Leu in the alternate transcript NM_020843. This variant has been reported in a heterozygous individual within the 'other' subpopulation in gnomAD. At this time, the clinical significance of this variant is uncertain due to the absence of conclusive functional and genetic evidence.

Blueprint Genetics
Classification: Uncertain significance. Last evaluated: 2020-02-11. Review status: criteria provided, single submitter. Criteria: ACMG Guidelines, 2015. Collection method: clinical testing. Allele origin: germline.

NM_020843.4(SCAPER):c.3964A>C (p.Ile1322Leu)

Gene: SCAPER (S-phase cyclin A associated protein in the ER; minus strand). Cytogenetic location: 15q24.3.
Variant type: single nucleotide variant.
Coding change: c.3964A>C on transcript NM_020843.4 (MANE Select); coding-DNA position 3964, A replaced by C.
Protein change: p.Ile1322Leu; replaces isoleucine 1322 with leucine.
Molecular consequence: missense variant. On other transcripts: non-coding transcript variant (1).
Genome position (GRCh38, 1-based): chr15:76,354,032, T>G on the plus strand (A>C on the coding strand, the complement: SCAPER is on the minus strand). VCF-style: chr15-76354032-T-G. GRCh37 (hg19) VCF-style: chr15-76646373-T-G.
Other names: c.3982A>C (NM_001353009.1); c.3226A>C, p.Ile1076Leu (NM_001145923.2); c.3982A>C, p.Ile1328Leu (NM_001353009.2); c.3562A>C, p.Ile1188Leu (NM_001353010.2, NM_001353012.2); c.3580A>C, p.Ile1194Leu (NM_001353011.2); short protein forms I1328L, I1188L, I1194L, I1076L, I1322L.
Identifiers: ClinVar variation 4925919 (VCV004925919.2).